The following is an entry in ClinVar:

ClinVar aggregate classification (germline): Uncertain significance. Review status: criteria provided, multiple submitters, no conflicts (2 of 4 stars). 4 submissions from 4 submitters: Uncertain significance (4). Last evaluated 2024-01-23.

Conditions:
Inborn genetic diseases. Identifiers: MedGen C0950123, MeSH D030342.
Cohen syndrome (COH1). Also called: PEPPER SYNDROME; Cutis verticis gyrata, retinitis pigmentosa, and sensorineural deafness. Identifiers: Orphanet 193, MedGen C0265223, MONDO:0008999, OMIM 216550.

Allele frequency attached by ClinVar (database versions not stated): TOPMed below 0.00001; ExAC 0.00002; gnomAD 0.00002.
gnomAD v4.1: 21 of 1,613,770 alleles (0.0013%); highest among the groups gnomAD compares: Admixed American, 0.0017%; no homozygotes.

Submissions (4):

Ambry Genetics
Classification: Uncertain significance for Inborn genetic diseases. Last evaluated: 2024-01-23. Review status: criteria provided, single submitter. Criteria: Ambry Variant Classification Scheme 2023. Collection method: clinical testing. Allele origin: germline.

GeneDx
Classification: Uncertain significance. Last evaluated: 2023-03-13. Review status: criteria provided, single submitter. Criteria: GeneDx Variant Classification Process June 2021. Collection method: clinical testing. Allele origin: germline. Affected: yes.
Comment: Not observed at significant frequency in large population cohorts (gnomAD); In silico analysis supports that this missense variant has a deleterious effect on protein structure/function; Has not been previously published as pathogenic or benign to our knowledge

Labcorp Genetics (formerly Invitae), Labcorp
Classification: Uncertain significance for Cohen syndrome. Last evaluated: 2022-05-27. Review status: criteria provided, single submitter. Criteria: Invitae Variant Classification Sherloc (09022015). Collection method: clinical testing. Allele origin: germline.
Comment: This sequence change replaces glycine, which is neutral and non-polar, with arginine, which is basic and polar, at codon 2575 of the VPS13B protein (p.Gly2575Arg). This variant is present in population databases (rs780332587, gnomAD 0.003%). This variant has not been reported in the literature in individuals affected with VPS13B-related conditions. Algorithms developed to predict the effect of missense changes on protein structure and function are either unavailable or do not agree on the potential impact of this missense change (SIFT: "Not Available"; PolyPhen-2: "Probably Damaging"; Align-GVGD: "Not Available"). In summary, the available evidence is currently insufficient to determine the role of this variant in disease. Therefore, it has been classified as a Variant of Uncertain Significance.

Blueprint Genetics
Classification: Uncertain significance. Last evaluated: 2022-01-29. Review status: criteria provided, single submitter. Criteria: ACMG Guidelines, 2015. Collection method: clinical testing. Allele origin: germline.

NM_152564.5(VPS13B):c.7648G>A (p.Gly2550Arg)

Gene: VPS13B (vacuolar protein sorting 13 homolog B; plus strand). Cytogenetic location: 8q22.2.
Variant type: single nucleotide variant.
Coding change: c.7648G>A on transcript NM_152564.5 (MANE Select); coding-DNA position 7648, G replaced by A.
Protein change: p.Gly2550Arg; replaces glycine 2550 with arginine.
Molecular consequence: missense variant.
Genome position (GRCh38, 1-based): chr8:99,778,900, G>A. VCF-style: chr8-99778900-G-A. GRCh37 (hg19) VCF-style: chr8-100791128-G-A.
Other names: c.7723G>A (NM_017890.3); c.7723G>A, p.Gly2575Arg (NM_017890.5); short protein forms G2575R, G2550R.
Identifiers: ClinVar variation 2042930 (VCV002042930.4), dbSNP rs780332587, ClinGen allele CA4824259.